The following is an entry in ClinVar:

ClinVar aggregate classification (germline): Uncertain significance. Review status: criteria provided, multiple submitters, no conflicts (2 of 4 stars). 3 submissions from 3 submitters: Uncertain significance (3). Last evaluated 2025-10-26.

Conditions:
PROM1-related disorder. Also called: PROM1-related disorders; PROM1-related condition.
Retinal dystrophy. Also called: Inherited retinal dystrophy. Identifiers: Orphanet 71862, MedGen C0854723, MeSH D058499, MONDO:0019118, HP:0000556.

Allele frequency attached by ClinVar (database versions not stated): gnomAD exomes 0.00001; TOPMed 0.00003; gnomAD 0.00006.
gnomAD v4.1: 28 of 1,610,704 alleles (0.0017%); highest among the groups gnomAD compares: African/African-American, 0.011%; no homozygotes.

Submissions (3):

PreventionGenetics, part of Exact Sciences
Classification: Uncertain significance for PROM1-related condition. Last evaluated: 2025-10-26. Review status: criteria provided, single submitter. Criteria: ACMG Guidelines, 2015. Collection method: clinical testing. Allele origin: germline.
Comment: The PROM1 c.2095G>A variant is predicted to result in the amino acid substitution p.Val699Ile. This variant was previously reported in a large cohort of individuals with retinal disease (supplementary data, Goto et al. 2024. PubMed ID: 38499336). This variant is reported in 0.017% of alleles in individuals of African descent in gnomAD. At this time, the clinical significance of this variant is uncertain due to the absence of conclusive functional and genetic evidence.

Labcorp Genetics (formerly Invitae), Labcorp
Classification: Uncertain significance. Last evaluated: 2025-03-06. Review status: criteria provided, single submitter. Criteria: Invitae Variant Classification Sherloc (09022015). Collection method: clinical testing. Allele origin: germline.
Comment: This sequence change replaces valine, which is neutral and non-polar, with isoleucine, which is neutral and non-polar, at codon 699 of the PROM1 protein (p.Val699Ile). This variant is present in population databases (no rsID available, gnomAD 0.02%). This variant has not been reported in the literature in individuals affected with PROM1-related conditions. ClinVar contains an entry for this variant (Variation ID: 1039157). Invitae Evidence Modeling of protein sequence and biophysical properties (such as structural, functional, and spatial information, amino acid conservation, physicochemical variation, residue mobility, and thermodynamic stability) indicates that this missense variant is not expected to disrupt PROM1 protein function with a negative predictive value of 80%. In summary, the available evidence is currently insufficient to determine the role of this variant in disease. Therefore, it has been classified as a Variant of Uncertain Significance.

Dept Of Ophthalmology, Nagoya University
Classification: Uncertain significance for Retinal dystrophy. Last evaluated: 2023-10-01. Review status: criteria provided, single submitter. Criteria: Submitter's publication. Collection method: research. Allele origin: germline. Affected: yes.

NM_006017.3(PROM1):c.2095G>A (p.Val699Ile)

Gene: PROM1 (prominin 1; minus strand). Cytogenetic location: 4p15.32.
Variant type: single nucleotide variant.
Coding change: c.2095G>A on transcript NM_006017.3 (MANE Select); coding-DNA position 2095, G replaced by A.
Protein change: p.Val699Ile; replaces valine 699 with isoleucine.
Molecular consequence: missense variant.
Genome position (GRCh38, 1-based): chr4:15,987,698, C>T on the plus strand (G>A on the coding strand, the complement: PROM1 is on the minus strand). VCF-style: chr4-15987698-C-T. GRCh37 (hg19) VCF-style: chr4-15989321-C-T.
Other names: c.2095G>A (NM_006017.2); c.2068G>A, p.Val690Ile (NM_001145847.2, NM_001145848.2, NM_001145851.2 and 4 more transcripts); c.2095G>A, p.Val699Ile (NM_001145849.2, NM_001145850.2); short protein forms V699I, V690I.
Identifiers: ClinVar variation 1039157 (VCV001039157.12), dbSNP rs1271770492, ClinGen allele CA356429147.